The following is an entry in ClinVar:

NM_004621.6(TRPC6):c.319G>C (p.Glu107Gln)

Gene: TRPC6 (transient receptor potential cation channel subfamily C member 6; minus strand). Cytogenetic location: 11q22.1.
Variant type: single nucleotide variant.
Coding change: c.319G>C on transcript NM_004621.6 (MANE Select); coding-DNA position 319, G replaced by C.
Protein change: p.Glu107Gln; replaces glutamic acid 107 with glutamine.
Molecular consequence: missense variant.
Genome position (GRCh38, 1-based): chr11:101,504,650, C>G on the plus strand (G>C on the coding strand, the complement: TRPC6 is on the minus strand). VCF-style: chr11-101504650-C-G. GRCh37 (hg19) VCF-style: chr11-101375381-C-G.
Other names: short protein forms E107Q.
Identifiers: ClinVar variation 1369937 (VCV001369937.8), dbSNP rs1328216756, ClinGen allele CA382451170.

ClinVar aggregate classification (germline): Uncertain significance (1 of 4 stars; one submission).

Allele frequency attached by ClinVar (database versions not stated): gnomAD exomes below 0.00001.
gnomAD v4.1: 1 of 1,607,716 alleles (0.000062%); highest among the groups gnomAD compares: Non-Finnish European, 0.000085%; no homozygotes.

Submission:

Labcorp Genetics (formerly Invitae), Labcorp
Classification: Uncertain significance. Last evaluated: 2025-06-12. Review status: criteria provided, single submitter. Criteria: Invitae Variant Classification Sherloc (09022015). Collection method: clinical testing. Allele origin: germline.
Comment: This sequence change replaces glutamic acid, which is acidic and polar, with glutamine, which is neutral and polar, at codon 107 of the TRPC6 protein (p.Glu107Gln). This variant is not present in population databases (gnomAD no frequency). This variant has not been reported in the literature in individuals affected with TRPC6-related conditions. ClinVar contains an entry for this variant (Variation ID: 1369937). Invitae Evidence Modeling of protein sequence and biophysical properties (such as structural, functional, and spatial information, amino acid conservation, physicochemical variation, residue mobility, and thermodynamic stability) has been performed for this missense variant. However, the output from this modeling did not meet the statistical confidence thresholds required to predict the impact of this variant on TRPC6 protein function. In summary, the available evidence is currently insufficient to determine the role of this variant in disease. Therefore, it has been classified as a Variant of Uncertain Significance.